The following is an entry in ClinVar:

ClinVar aggregate classification (germline): Uncertain significance (1 of 4 stars; one submission).

gnomAD v4.1: 2 of 1,613,826 alleles (0.00012%); highest among the groups gnomAD compares: South Asian, 0.0011%; no homozygotes.

Submission:

Labcorp Genetics (formerly Invitae), Labcorp
Classification: Uncertain significance. Last evaluated: 2025-01-26. Review status: criteria provided, single submitter. Criteria: Invitae Variant Classification Sherloc (09022015). Collection method: clinical testing. Allele origin: germline.
Comment: This sequence change replaces threonine, which is neutral and polar, with isoleucine, which is neutral and non-polar, at codon 460 of the IL23R protein (p.Thr460Ile). This variant is not present in population databases (gnomAD no frequency). This variant has not been reported in the literature in individuals affected with IL23R-related conditions. An algorithm developed to predict the effect of missense changes on protein structure and function outputs the following: PolyPhen-2: "Benign". The isoleucine amino acid residue is found in multiple mammalian species, which suggests that this missense change does not adversely affect protein function. In summary, the available evidence is currently insufficient to determine the role of this variant in disease. Therefore, it has been classified as a Variant of Uncertain Significance.

NM_144701.3(IL23R):c.1379C>T (p.Thr460Ile)

Gene: IL23R (interleukin 23 receptor; plus strand). Cytogenetic location: 1p31.3.
Variant type: single nucleotide variant.
Coding change: c.1379C>T on transcript NM_144701.3 (MANE Select); coding-DNA position 1379, C replaced by T.
Protein change: p.Thr460Ile; replaces threonine 460 with isoleucine.
Molecular consequence: missense variant.
Genome position (GRCh38, 1-based): chr1:67,258,617, C>T. VCF-style: chr1-67258617-C-T. GRCh37 (hg19) VCF-style: chr1-67724300-C-T.
Other names: short protein forms T460I.
Identifiers: ClinVar variation 3620639 (VCV003620639.2).